The following is an entry in ClinVar:

ClinVar aggregate classification (germline): Pathogenic/Likely pathogenic. Review status: criteria provided, multiple submitters, no conflicts (2 of 4 stars). 4 submissions from 4 submitters: Pathogenic (1); Likely pathogenic (3). Last evaluated 2024-08-15.

Conditions:
Retinitis pigmentosa 25 (RP25). Identifiers: Orphanet 791, MedGen C1864446, MONDO:0011272, OMIM 602772.
EYS-related disorder. Also called: EYS-related condition.

Allele frequency attached by ClinVar (database versions not stated): gnomAD exomes below 0.00001; gnomAD 0.00001.
gnomAD v4.1: 3 of 1,551,208 alleles (0.00019%); highest among the groups gnomAD compares: Non-Finnish European, 0.00026%; no homozygotes.

Submissions (4):

Natera, Inc.
Classification: Likely pathogenic for Retinitis pigmentosa type 25. Last evaluated: 2024-08-15. Review status: criteria provided, single submitter. Criteria: Natera Variant Classification Schema (03/2026). Collection method: clinical testing. Allele origin: germline.
Comment: The c.8098A>T variant in EYS is a nonsense variant predicted to introduce a stop codon at amino acid 2700. This variant is expected to result in nonsense mediated decay, truncation, or a dysfunctional protein product. This variant is rare in the general population with a frequency below the threshold expected for the associated phenotype(s). Given the available evidence, this variant is classified as Likely Pathogenic.

Baylor Genetics
Classification: Likely pathogenic for Retinitis pigmentosa 25. Last evaluated: 2024-02-13. Review status: criteria provided, single submitter. Criteria: ACMG Guidelines, 2015. Collection method: clinical testing. Allele origin: unknown.

Labcorp Genetics (formerly Invitae), Labcorp
Classification: Pathogenic. Last evaluated: 2022-07-26. Review status: criteria provided, single submitter. Criteria: Invitae Variant Classification Sherloc (09022015). Collection method: clinical testing. Allele origin: germline.
Comment: This sequence change creates a premature translational stop signal (p.Arg2700*) in the EYS gene. It is expected to result in an absent or disrupted protein product. Loss-of-function variants in EYS are known to be pathogenic (PMID: 18836446, 20333770). This variant is not present in population databases (gnomAD no frequency). This variant has not been reported in the literature in individuals affected with EYS-related conditions. For these reasons, this variant has been classified as Pathogenic.

Blueprint Genetics
Classification: Likely pathogenic for EYS-related disorders. Last evaluated: 2020-04-22. Review status: criteria provided, single submitter. Criteria: ACMG Guidelines, 2015. Collection method: clinical testing. Allele origin: germline. Affected: yes. Observed: 1 variant allele.

Literature cited by the submitters: PubMed 18836446 (cited by Labcorp Genetics (formerly Invitae), Labcorp); PubMed 20333770 (cited by Labcorp Genetics (formerly Invitae), Labcorp).

NM_001142800.2(EYS):c.8098A>T (p.Arg2700Ter)

Gene: EYS (EGF-like photoreceptor maintenance factor; minus strand). Cytogenetic location: 6q12.
Variant type: single nucleotide variant.
Coding change: c.8098A>T on transcript NM_001142800.2 (MANE Select); coding-DNA position 8098, A replaced by T.
Protein change: p.Arg2700Ter; replaces arginine 2700 with a stop codon.
Molecular consequence: nonsense.
Genome position (GRCh38, 1-based): chr6:63,726,654, T>A on the plus strand (A>T on the coding strand, the complement: EYS is on the minus strand). VCF-style: chr6-63726654-T-A. GRCh37 (hg19) VCF-style: chr6-64436547-T-A.
Other names: c.8161A>T, p.Arg2721Ter (NM_001292009.2); c.8098A>T (NM_001142800.1); short protein forms R2721*, R2700*.
Identifiers: ClinVar variation 2141927 (VCV002141927.8), dbSNP rs1768627952, ClinGen allele CA364386352.
Genomic context (GRCh38, chr6:63,726,654, plus strand): 5'-TATGTGTCTTTTTTCGAACATGAAAGGAAGCAAAAGACATCCAGGATAACTCATTGCTTC[T>A]GAAAGATGGATCACTTATGGATAAAGCTGAGGGAAGGAGAGAAAGAGAACTCTGGGAGTT-3'